The following is an entry in ClinVar:

ClinVar aggregate classification (germline): Uncertain significance (1 of 4 stars; one submission).

Conditions:
STAG1-related disorder. Also called: STAG1-related disorders.

Submission:

PreventionGenetics, part of Exact Sciences
Classification: Uncertain significance for STAG1-related condition. Last evaluated: 2025-12-04. Review status: criteria provided, single submitter. Criteria: ACMG Guidelines, 2015. Collection method: clinical testing. Allele origin: germline.
Comment: The STAG1 c.1567A>G variant is predicted to result in the amino acid substitution p.Ser523Gly. To our knowledge, this variant has not been reported in the literature or in a large population database (gnomAD), indicating this variant is rare. At this time, the clinical significance of this variant is uncertain due to the absence of conclusive functional and genetic evidence.

NM_005862.3(STAG1):c.1567A>G (p.Ser523Gly)

Gene: STAG1 (STAG1 cohesin complex component; minus strand). Cytogenetic location: 3q22.3.
Variant type: single nucleotide variant.
Coding change: c.1567A>G on transcript NM_005862.3 (MANE Select); coding-DNA position 1567, A replaced by G.
Protein change: p.Ser523Gly; replaces serine 523 with glycine.
Molecular consequence: missense variant.
Genome position (GRCh38, 1-based): chr3:136,433,639, T>C on the plus strand (A>G on the coding strand, the complement: STAG1 is on the minus strand). VCF-style: chr3-136433639-T-C. GRCh37 (hg19) VCF-style: chr3-136152481-T-C.
Other names: short protein forms S523G.
Identifiers: ClinVar variation 4993992 (VCV004993992.1).